The following is an entry in ClinVar:

NM_002485.5(NBN):c.2231T>G (p.Phe744Cys)

Gene: NBN (nibrin; minus strand). Cytogenetic location: 8q21.3.
Variant type: single nucleotide variant.
Coding change: c.2231T>G on transcript NM_002485.5 (MANE Select); coding-DNA position 2231, T replaced by G.
Protein change: p.Phe744Cys; replaces phenylalanine 744 with cysteine.
Molecular consequence: missense variant.
Genome position (GRCh38, 1-based): chr8:89,937,029, A>C on the plus strand (T>G on the coding strand, the complement: NBN is on the minus strand). VCF-style: chr8-89937029-A-C. GRCh37 (hg19) VCF-style: chr8-90949257-A-C.
Other names: c.1985T>G, p.Phe662Cys (NM_001024688.3); short protein forms F662C, F744C.
Identifiers: ClinVar variation 2818124 (VCV002818124.3), dbSNP rs2488169212, ClinGen allele CA371674743.

ClinVar aggregate classification (germline): Uncertain significance (1 of 4 stars; one submission).

Conditions:
Microcephaly, normal intelligence and immunodeficiency (NBS). Also called: SEEMANOVA SYNDROME II; IMMUNODEFICIENCY, MICROCEPHALY, AND CHROMOSOMAL INSTABILITY; Nijmegen breakage syndrome; Microcephaly with normal intelligence immunodeficiency and lymphoreticular malignancies; Nonsyndromal microcephaly autosomal recessive with normal intelligence; Seemanova syndrome 2. Identifiers: Orphanet 647, MedGen C0398791, MONDO:0009623, OMIM 251260.

Submission:

Labcorp Genetics (formerly Invitae), Labcorp
Classification: Uncertain significance for Microcephaly, normal intelligence and immunodeficiency. Last evaluated: 2024-09-06. Review status: criteria provided, single submitter. Criteria: Invitae Variant Classification Sherloc (09022015). Collection method: clinical testing. Allele origin: germline.
Comment: This sequence change replaces phenylalanine, which is neutral and non-polar, with cysteine, which is neutral and slightly polar, at codon 744 of the NBN protein (p.Phe744Cys). This variant is not present in population databases (gnomAD no frequency). This variant has not been reported in the literature in individuals affected with NBN-related conditions. An algorithm developed to predict the effect of missense changes on protein structure and function (PolyPhen-2) suggests that this variant is likely to be disruptive. Algorithms developed to predict the effect of sequence changes on RNA splicing suggest that this variant may create or strengthen a splice site. In summary, the available evidence is currently insufficient to determine the role of this variant in disease. Therefore, it has been classified as a Variant of Uncertain Significance.